The following is an entry in ClinVar:

NM_001171.6(ABCC6):c.1233T>C (p.Asn411=)

Gene: ABCC6 (ATP binding cassette subfamily C member 6; minus strand). Cytogenetic location: 16p13.11.
Variant type: single nucleotide variant.
Coding change: c.1233T>C on transcript NM_001171.6 (MANE Select); coding-DNA position 1233, T replaced by C.
Protein change: p.Asn411=; no amino-acid change (asparagine 411 retained).
Molecular consequence: synonymous variant. On other transcripts: non-coding transcript variant (1).
Genome position (GRCh38, 1-based): chr16:16,198,126, A>G on the plus strand (T>C on the coding strand, the complement: ABCC6 is on the minus strand). VCF-style: chr16-16198126-A-G. GRCh37 (hg19) VCF-style: chr16-16291983-A-G.
Other names: p.Asn411=; c.891T>C, p.Asn297= (NM_001351800.1).
Identifiers: ClinVar variation 143117 (VCV000143117.18), dbSNP rs9930886, ClinGen allele CA232829.

ClinVar aggregate classification (germline): Benign/Likely benign. Review status: criteria provided, multiple submitters, no conflicts (2 of 4 stars). 10 submissions from 8 submitters: Benign (8); Likely benign (1). 1 of the submissions does not count toward it. Last evaluated 2026-02-04.

Conditions:
Autosomal recessive inherited pseudoxanthoma elasticum (PXE). Identifiers: Orphanet 758, MedGen CN032334, MONDO:0009925, OMIM 264800.
Pseudoxanthoma elasticum, forme fruste. Also called: PSEUDOXANTHOMA ELASTICUM, HETEROZYGOUS; Pseudoxanthoma Elasticum, Incomplete. Identifiers: Orphanet 758, MedGen C1867450, MONDO:0008333, OMIM 177850.
Arterial calcification, generalized, of infancy, 2. Identifiers: Orphanet 51608, MedGen C3276161, MONDO:0013768, OMIM 614473.

Allele frequency attached by ClinVar (database versions not stated): 1000 Genomes Project 0.28275; 1000 Genomes Project 30x 0.28326; ESP Exome Variant Server 0.31330; gnomAD 0.31672 and 0.31288; ExAC 0.33840; gnomAD exomes 0.34065 and 0.30912; TOPMed 0.30914.
gnomAD v4.1: 542,968 of 1,610,564 alleles (34%); highest among the groups gnomAD compares: Non-Finnish European, 36%; 93,803 homozygotes.

Submissions (10):

Labcorp Genetics (formerly Invitae), Labcorp
Classification: Benign. Last evaluated: 2026-02-04. Review status: criteria provided, single submitter. Criteria: Invitae Variant Classification Sherloc (09022015). Collection method: clinical testing. Allele origin: germline.

Blueprint Genetics
Classification: Benign. Last evaluated: 2024-11-28. Review status: criteria provided, single submitter. Criteria: ACMG Guidelines, 2015. Collection method: clinical testing. Allele origin: germline.

Fulgent Genetics
Classification: Likely benign for Pseudoxanthoma elasticum, forme fruste; Autosomal recessive inherited pseudoxanthoma elasticum; Arterial calcification, generalized, of infancy, 2. Last evaluated: 2022-04-01. Review status: criteria provided, single submitter. Criteria: ACMG Guidelines, 2015. Collection method: clinical testing. Allele origin: unknown.

Mayo Clinic Laboratories, Mayo Clinic
Classification: Benign. Last evaluated: 2022-03-09. Review status: criteria provided, single submitter. Criteria: ACMG Guidelines, 2015. Collection method: clinical testing. Allele origin: germline. Observed: 100 variant alleles.

Genome-Nilou Lab
Classification: Benign for Arterial calcification, generalized, of infancy, 2. Last evaluated: 2021-12-05. Review status: criteria provided, single submitter. Criteria: ACMG Guidelines, 2015. Collection method: clinical testing. Allele origin: germline. Affected: no.

Genome-Nilou Lab
Classification: Benign for Autosomal recessive inherited pseudoxanthoma elasticum. Last evaluated: 2021-12-05. Review status: criteria provided, single submitter. Criteria: ACMG Guidelines, 2015. Collection method: clinical testing. Allele origin: germline. Affected: no.

Genome-Nilou Lab
Classification: Benign for Pseudoxanthoma elasticum, forme fruste. Last evaluated: 2021-12-05. Review status: criteria provided, single submitter. Criteria: ACMG Guidelines, 2015. Collection method: clinical testing. Allele origin: germline. Affected: no.

GeneDx
Classification: Benign. Last evaluated: 2015-03-03. Review status: criteria provided, single submitter. Criteria: GeneDx Variant Classification Process June 2021. Collection method: clinical testing. Allele origin: germline. Affected: yes.

Breakthrough Genomics
Classification: Benign. Review status: criteria provided, single submitter. Criteria: ACMG Guidelines, 2015. Collection method: not provided. Allele origin: germline. Inheritance: Autosomal recessive inheritance. Affected: yes.

Department of Ophthalmology and Visual Sciences Kyoto University
Classification: Likely benign. Review status: no assertion criteria provided. Collection method: not provided. Allele origin: unknown. Not counted in ClinVar's aggregate classification.
ClinVar note: Converted during submission from probable-non-pathogenic to Likely benign.